The following is an entry in ClinVar:

ClinVar aggregate classification (germline): Uncertain significance (1 of 4 stars; one submission).

Conditions:
Myopathy, centronuclear, 2 (CNM2). Also called: MYOTUBULAR MYOPATHY, AUTOSOMAL RECESSIVE. Identifiers: Orphanet 169186, MedGen CN031787, MONDO:0009709, OMIM 255200.

Submission:

Labcorp Genetics (formerly Invitae), Labcorp
Classification: Uncertain significance for Myopathy, centronuclear, 2. Last evaluated: 2024-02-23. Review status: criteria provided, single submitter. Criteria: Invitae Variant Classification Sherloc (09022015). Collection method: clinical testing. Allele origin: germline.
Comment: This sequence change replaces histidine, which is basic and polar, with arginine, which is basic and polar, at codon 253 of the BIN1 protein (p.His253Arg). This variant is not present in population databases (gnomAD no frequency). This variant has not been reported in the literature in individuals affected with BIN1-related conditions. Advanced modeling of protein sequence and biophysical properties (such as structural, functional, and spatial information, amino acid conservation, physicochemical variation, residue mobility, and thermodynamic stability) performed at Invitae indicates that this missense variant is expected to disrupt BIN1 protein function with a positive predictive value of 80%. In summary, the available evidence is currently insufficient to determine the role of this variant in disease. Therefore, it has been classified as a Variant of Uncertain Significance.

NM_139343.3(BIN1):c.758A>G (p.His253Arg)

Gene: BIN1 (bridging integrator 1; minus strand). Cytogenetic location: 2q14.3.
Variant type: single nucleotide variant.
Coding change: c.758A>G on transcript NM_139343.3 (MANE Select); coding-DNA position 758, A replaced by G.
Protein change: p.His253Arg; replaces histidine 253 with arginine.
Molecular consequence: missense variant.
Genome position (GRCh38, 1-based): chr2:127,063,587, T>C on the plus strand (A>G on the coding strand, the complement: BIN1 is on the minus strand). VCF-style: chr2-127063587-T-C. GRCh37 (hg19) VCF-style: chr2-127821163-T-C.
Other names: c.665A>G, p.His222Arg (NM_001320632.2, NM_001320641.2, NM_004305.4 and 6 more transcripts); c.758A>G, p.His253Arg (NM_001320633.2, NM_001320640.2, NM_139344.3 and 1 more transcripts); c.593A>G, p.His198Arg (NM_001320634.1); c.677A>G, p.His226Arg (NM_001320642.1); short protein forms H198R, H222R, H226R, H253R.
Identifiers: ClinVar variation 3623594 (VCV003623594.2).